The following is an entry in ClinVar:

NM_004656.4(BAP1):c.995C>T (p.Pro332Leu)

Gene: BAP1 (BRCA1 associated deubiquitinase 1; minus strand). Cytogenetic location: 3p21.1.
Variant type: single nucleotide variant.
Coding change: c.995C>T on transcript NM_004656.4 (MANE Select); coding-DNA position 995, C replaced by T.
Protein change: p.Pro332Leu; replaces proline 332 with leucine.
Molecular consequence: missense variant.
Genome position (GRCh38, 1-based): chr3:52,405,231, G>A on the plus strand (C>T on the coding strand, the complement: BAP1 is on the minus strand). VCF-style: chr3-52405231-G-A. GRCh37 (hg19) VCF-style: chr3-52439247-G-A.
Other names: short protein forms P332L.
Identifiers: ClinVar variation 629904 (VCV000629904.18), dbSNP rs772070350, ClinGen allele CA2436943.

ClinVar aggregate classification (germline): Conflicting classifications of pathogenicity. Review status: criteria provided, conflicting classifications (1 of 4 stars). 5 submissions from 5 submitters: Uncertain significance (2); Likely benign (3). Last evaluated 2026-01-19.

Conditions:
Hereditary cancer-predisposing syndrome. Also called: Neoplastic Syndromes, Hereditary; Tumor predisposition; Hereditary neoplastic syndrome; Hereditary Cancer Syndrome. Identifiers: Orphanet 140162, MedGen C0027672, MeSH D009386, MONDO:0015356.
BAP1-related tumor predisposition syndrome (TPDS1). Also called: Tumor susceptibility linked to germline BAP1 mutations; BAP1 tumor predisposition syndrome; TUMOR PREDISPOSITION SYNDROME 1; COMMON Syndrome. Identifiers: Orphanet 289539, MedGen C3280492, MONDO:0013692, OMIM 614327.

Allele frequency attached by ClinVar (database versions not stated): TOPMed 0.00001; ExAC 0.00002; gnomAD exomes 0.00002.
gnomAD v4.1: 10 of 1,614,112 alleles (0.00062%); highest among the groups gnomAD compares: Non-Finnish European, 0.00085%; no homozygotes.

Submissions (5):

Labcorp Genetics (formerly Invitae), Labcorp
Classification: Uncertain significance for BAP1-related tumor predisposition syndrome. Last evaluated: 2026-01-19. Review status: criteria provided, single submitter. Criteria: Invitae Variant Classification Sherloc (09022015). Collection method: clinical testing. Allele origin: germline.
Comment: This sequence change replaces proline, which is neutral and non-polar, with leucine, which is neutral and non-polar, at codon 332 of the BAP1 protein (p.Pro332Leu). This variant is present in population databases (rs772070350, gnomAD 0.01%). This variant has not been reported in the literature in individuals affected with BAP1-related conditions. ClinVar contains an entry for this variant (Variation ID: 629904). Invitae Evidence Modeling of protein sequence and biophysical properties (such as structural, functional, and spatial information, amino acid conservation, physicochemical variation, residue mobility, and thermodynamic stability) indicates that this missense variant is not expected to disrupt BAP1 protein function with a negative predictive value of 80%. In summary, the available evidence is currently insufficient to determine the role of this variant in disease. Therefore, it has been classified as a Variant of Uncertain Significance.

Color Diagnostics, LLC DBA Color Health
Classification: Likely benign for Hereditary cancer-predisposing syndrome. Last evaluated: 2025-06-09. Review status: criteria provided, single submitter. Criteria: ACMG Guidelines, 2015. Collection method: clinical testing. Allele origin: germline.

Myriad Genetics, Inc.
Classification: Likely benign for BAP1-related tumor predisposition syndrome. Last evaluated: 2024-07-15. Review status: criteria provided, single submitter. Criteria: Myriad Autosomal Dominant, Autosomal Recessive and X-Linked Classification Criteria (2023). Collection method: clinical testing. Allele origin: unknown.
Comment: This variant is considered likely benign. This variant has been observed at a population frequency that is significantly greater than expected given the associated disease prevalence and penetrance.

Baylor Genetics
Classification: Uncertain significance for BAP1-related tumor predisposition syndrome. Last evaluated: 2023-08-15. Review status: criteria provided, single submitter. Criteria: ACMG Guidelines, 2015. Collection method: clinical testing. Allele origin: unknown.

Ambry Genetics
Classification: Likely benign for Hereditary cancer-predisposing syndrome. Last evaluated: 2023-07-25. Review status: criteria provided, single submitter. Criteria: Ambry Variant Classification Scheme 2023. Collection method: clinical testing. Allele origin: germline.